The following is an entry in ClinVar:

NM_000252.3(MTM1):c.257C>T (p.Pro86Leu)

Gene: MTM1 (myotubularin 1; plus strand). Cytogenetic location: Xq28.
Variant type: single nucleotide variant.
Coding change: c.257C>T on transcript NM_000252.3 (MANE Select); coding-DNA position 257, C replaced by T.
Protein change: p.Pro86Leu; replaces proline 86 with leucine.
Molecular consequence: missense variant. On other transcripts: intron variant (1).
Genome position (GRCh38, 1-based): chrX:150,614,614, C>T. VCF-style: chrX-150614614-C-T. GRCh37 (hg19) VCF-style: chrX-149783087-C-T.
Other names: c.257C>T, p.Pro86Leu (NM_001376908.1, NM_001376906.1); c.232-4424C>T (NM_001376907.1); short protein forms P86L.
Identifiers: ClinVar variation 5007515 (VCV005007515.2).

ClinVar aggregate classification (germline): Uncertain significance (1 of 4 stars; one submission).

Conditions:
Severe X-linked myotubular myopathy (CNMX). Also called: Myotubular myopathy, X-linked; X-linked centronuclear myopathy; MYOTUBULAR MYOPATHY 1. Identifiers: Orphanet 596, MedGen C0410203, MONDO:0010683, OMIM 310400.

Submission:

Juno Genomics, Hangzhou Juno Genomics, Inc
Classification: Uncertain significance for Severe X-linked myotubular myopathy. Review status: criteria provided, single submitter. Criteria: ACMG Guidelines, 2015. Collection method: clinical testing. Allele origin: germline.
Comment: Absent from controls (or at extremely low frequency if recessive) in Genome Aggregation Database.;Multiple lines of computational evidence support a deleterious effect on the gene or gene product.